The following is an entry in ClinVar:

NM_013328.4(PYCR2):c.817G>C (p.Asp273His)

Gene: PYCR2 (pyrroline-5-carboxylate reductase 2; minus strand). Cytogenetic location: 1q42.12.
Variant type: single nucleotide variant.
Coding change: c.817G>C on transcript NM_013328.4 (MANE Select); coding-DNA position 817, G replaced by C.
Protein change: p.Asp273His; replaces aspartic acid 273 with histidine.
Molecular consequence: missense variant.
Genome position (GRCh38, 1-based): chr1:225,920,601, C>G on the plus strand (G>C on the coding strand, the complement: PYCR2 is on the minus strand). VCF-style: chr1-225920601-C-G. GRCh37 (hg19) VCF-style: chr1-226108301-C-G.
Other names: c.595G>C, p.Asp199His (NM_001271681.2); short protein forms D199H, D273H.
Identifiers: ClinVar variation 1713832 (VCV001713832.5), dbSNP rs562677710, ClinGen allele CA345004259.
Genomic context (GRCh38, chr1:225,920,601, plus strand): 5'-CCAGCTTCACTCTGTCTAAGAGGGTCTTCTTAAGGGCAGCTGGGGAGATCTTTTCTTGGT[C>G]GGCCATGGACTGTAGCTCTCTGCAGACAAAACCCCAGAAGGATTAAAGGAAGGCAATAAA-3'
Protein context (NP_037460.2, residues 263-283): IRTRELQSMA[Asp273His]QEKISPAALK

ClinVar aggregate classification (germline): Uncertain significance (1 of 4 stars; one submission).

gnomAD v4.1: 1 of 1,613,552 alleles (0.000062%); highest among the groups gnomAD compares: South Asian, 0.0011%; no homozygotes.

Submission:

Labcorp Genetics (formerly Invitae), Labcorp
Classification: Uncertain significance. Last evaluated: 2022-07-15. Review status: criteria provided, single submitter. Criteria: Invitae Variant Classification Sherloc (09022015). Collection method: clinical testing. Allele origin: germline.
Comment: This sequence change replaces aspartic acid, which is acidic and polar, with histidine, which is basic and polar, at codon 273 of the PYCR2 protein (p.Asp273His). This variant is not present in population databases (gnomAD no frequency). This variant has not been reported in the literature in individuals affected with PYCR2-related conditions. Algorithms developed to predict the effect of missense changes on protein structure and function are either unavailable or do not agree on the potential impact of this missense change (SIFT: "Tolerated"; PolyPhen-2: "Possibly Damaging"; Align-GVGD: "Class C0"). In summary, the available evidence is currently insufficient to determine the role of this variant in disease. Therefore, it has been classified as a Variant of Uncertain Significance.